The following is an entry in ClinVar:

NM_003737.4(DCHS1):c.5036-3C>T

Gene: DCHS1 (dachsous cadherin-related 1; minus strand). Cytogenetic location: 11p15.4.
Variant type: single nucleotide variant.
Coding change: c.5036-3C>T on transcript NM_003737.4 (MANE Select); 3 bases into the intron before coding-DNA position 5036, C replaced by T.
Molecular consequence: intron variant.
Genome position (GRCh38, 1-based): chr11:6,629,580, G>A on the plus strand (C>T on the coding strand, the complement: DCHS1 is on the minus strand). VCF-style: chr11-6629580-G-A. GRCh37 (hg19) VCF-style: chr11-6650811-G-A.
Identifiers: ClinVar variation 2980532 (VCV002980532.3), dbSNP rs2493822368, ClinGen allele CA2574741476.

ClinVar aggregate classification (germline): Uncertain significance (1 of 4 stars; one submission).

Submission:

Labcorp Genetics (formerly Invitae), Labcorp
Classification: Uncertain significance. Last evaluated: 2023-10-16. Review status: criteria provided, single submitter. Criteria: Invitae Variant Classification Sherloc (09022015). Collection method: clinical testing. Allele origin: germline.
Comment: This sequence change falls in intron 11 of the DCHS1 gene. It does not directly change the encoded amino acid sequence of the DCHS1 protein. It affects a nucleotide within the consensus splice site. This variant is not present in population databases (gnomAD no frequency). This variant has not been reported in the literature in individuals affected with DCHS1-related conditions. Variants that disrupt the consensus splice site are a relatively common cause of aberrant splicing (PMID: 17576681, 9536098). Algorithms developed to predict the effect of sequence changes on RNA splicing suggest that this variant is not likely to affect RNA splicing. In summary, the available evidence is currently insufficient to determine the role of this variant in disease. Therefore, it has been classified as a Variant of Uncertain Significance.

Literature cited by the submitters: PubMed 17576681; PubMed 9536098.